The following is an entry in ClinVar:

ClinVar aggregate classification (germline): Likely benign (1 of 4 stars; one submission).

Allele frequency attached by ClinVar (database versions not stated): gnomAD 0.00001 and 0.00003.
gnomAD v4.1: 4 of 1,610,388 alleles (0.00025%); highest among the groups gnomAD compares: African/African-American, 0.0027%; no homozygotes.

Submission:

GeneDx
Classification: Likely benign. Last evaluated: 2017-07-12. Review status: criteria provided, single submitter. Criteria: GeneDx Variant Classification (06012015). Collection method: clinical testing. Allele origin: germline. Affected: yes.
Comment: This variant is considered likely benign or benign based on one or more of the following criteria: it is a conservative change, it occurs at a poorly conserved position in the protein, it is predicted to be benign by multiple in silico algorithms, and/or has population frequency not consistent with disease.

NM_000142.5(FGFR3):c.2249G>T (p.Arg750Leu)

Gene: FGFR3 (fibroblast growth factor receptor 3; plus strand). Cytogenetic location: 4p16.3.
Variant type: single nucleotide variant.
Coding change: c.2249G>T on transcript NM_000142.5 (MANE Select); coding-DNA position 2249, G replaced by T.
Protein change: p.Arg750Leu; replaces arginine 750 with leucine.
Molecular consequence: missense variant. On other transcripts: synonymous variant (1), non-coding transcript variant (1).
Genome position (GRCh38, 1-based): chr4:1,806,909, G>T. VCF-style: chr4-1806909-G-T. GRCh37 (hg19) VCF-style: chr4-1808636-G-T.
Other names: c.2255G>T, p.Arg752Leu (NM_001163213.2); c.2252G>T, p.Arg751Leu (NM_001354809.2); c.2181G>T, p.Pro727= (NM_001354810.2); c.1913G>T, p.Arg638Leu (NM_022965.4); short protein forms R750L, R752L, R751L, R638L.
Identifiers: ClinVar variation 510661 (VCV000510661.1), dbSNP rs762888506, ClinGen allele CA355985711.